The following is an entry in ClinVar:

NM_022089.4(ATP13A2):c.744C>T (p.Ile248=)

Gene: ATP13A2 (ATPase cation transporting 13A2; minus strand). Cytogenetic location: 1p36.13.
Variant type: single nucleotide variant.
Coding change: c.744C>T on transcript NM_022089.4 (MANE Select); coding-DNA position 744, C replaced by T.
Protein change: p.Ile248=; no amino-acid change (isoleucine 248 retained).
Molecular consequence: synonymous variant.
Genome position (GRCh38, 1-based): chr1:17,000,496, G>A on the plus strand (C>T on the coding strand, the complement: ATP13A2 is on the minus strand). VCF-style: chr1-17000496-G-A. GRCh37 (hg19) VCF-style: chr1-17326991-G-A.
Other names: c.729C>T, p.Ile243= (NM_001141973.3, NM_001141974.3).
Identifiers: ClinVar variation 2638391 (VCV002638391.26), dbSNP rs755878267, ClinGen allele CA18642364.

ClinVar aggregate classification (germline): Likely benign. Review status: criteria provided, multiple submitters, no conflicts (2 of 4 stars). 2 submissions from 2 submitters: Likely benign (2). Last evaluated 2024-10-23.

Conditions:
Kufor-Rakeb syndrome (KRS). Also called: PARKINSON DISEASE 9, AUTOSOMAL RECESSIVE, JUVENILE-ONSET. Identifiers: Orphanet 306674, Orphanet 314632, MedGen C1847640, MONDO:0011706, OMIM 606693.
Autosomal recessive spastic paraplegia type 78. Identifiers: Orphanet 513436, MedGen C5567893, MONDO:0014975, OMIM 617225.

Allele frequency attached by ClinVar (database versions not stated): gnomAD exomes 0.00001; TOPMed 0.00001.
gnomAD v4.1: 14 of 1,614,090 alleles (0.00087%); highest among the groups gnomAD compares: South Asian, 0.0022%; no homozygotes.

Submissions (2):

Labcorp Genetics (formerly Invitae), Labcorp
Classification: Likely benign for Kufor-Rakeb syndrome; Autosomal recessive spastic paraplegia type 78. Last evaluated: 2024-10-23. Review status: criteria provided, single submitter. Criteria: Invitae Variant Classification Sherloc (09022015). Collection method: clinical testing. Allele origin: germline.

CeGaT Center for Human Genetics Tuebingen
Classification: Likely benign. Last evaluated: 2023-10-01. Review status: criteria provided, single submitter. Criteria: CeGaT Center For Human Genetics Tuebingen Variant Classification Criteria Version 2. Collection method: clinical testing. Allele origin: germline. Affected: yes. Observed: 1 variant allele.
Comment: ATP13A2: PM2:Supporting, BP4, BP7